The following is an entry in ClinVar:

ClinVar aggregate classification (germline): Pathogenic (1 of 4 stars; one submission).
ClinVar aggregate classification (oncogenicity): Likely oncogenic (1 of 4 stars; one submission).

Conditions:
Retinoblastoma (RB1). Also called: RETINOBLASTOMA, SOMATIC. Identifiers: Orphanet 790, MedGen C0035335, MeSH D012175, MONDO:0008380, OMIM 180200, HP:0009919. Disease mechanism: loss of function. Inheritance: Both sporadic and heritable forms are tested..
Neoplasm. Also called: Neoplasms; Neoplasm (disease); tumor. Identifiers: MedGen C0027651, MeSH D009369, MONDO:0005070, HP:0002664.

Submissions (2):

Center for Genomic Medicine, Rigshospitalet, Copenhagen University Hospital
Classification: Likely oncogenic for Neoplasm. Last evaluated: 2025-12-29. Review status: criteria provided, single submitter. Criteria: ClinGen/CGC/VICC Guidelines for Oncogenicity, 2022. Collection method: clinical testing. Allele origin: somatic. Affected: yes.

Genetic Diagnostic Laboratory, University of Pennsylvania School of Medicine
Classification: Pathogenic for Retinoblastoma. Last evaluated: 2024-05-20. Review status: criteria provided, single submitter. Criteria: ACMG Guidelines, 2015. Collection method: clinical testing. Allele origin: germline. Affected: yes. Observed: 1 variant allele.
Comment: Case and Pedigree Information: BILATERAL CASES:0, UNILATERAL CASES:1, TOTAL CASES:1, PEDIGREES:1. ACMG Codes Applied:PVS1, PM2

Literature cited by the submitters: PubMed 39845333 (cited by Center for Genomic Medicine, Rigshospitalet, Copenhagen University Hospital).

NM_000321.3(RB1):c.1021A>T (p.Lys341Ter)

Gene: RB1 (RB transcriptional corepressor 1; plus strand). Cytogenetic location: 13q14.2.
Variant type: single nucleotide variant.
Coding change: c.1021A>T on transcript NM_000321.3 (MANE Select); coding-DNA position 1021, A replaced by T.
Protein change: p.Lys341Ter; replaces lysine 341 with a stop codon.
Molecular consequence: nonsense.
Genome position (GRCh38, 1-based): chr13:48,367,575, A>T. VCF-style: chr13-48367575-A-T. GRCh37 (hg19) VCF-style: chr13-48941711-A-T.
Other names: L11910:g.64411A>T; short protein forms K341*.
Identifiers: ClinVar variation 126825 (VCV000126825.3), dbSNP rs587778855, ClinGen allele CA026357.
Genomic context (GRCh38, chr13:48,367,575, plus strand): 5'-TACGAAGAAATTTATCTTAAAAATAAAGATCTAGATGCAAGATTATTTTTGGATCATGAT[A>T]AAACTCTTCAGACTGATTCTATAGACAGGTATTGCACATGGTATATTTGATTGATTTGCT-3'